The following is an entry in ClinVar:

NM_002292.4(LAMB2):c.889G>A (p.Gly297Arg)

Gene: LAMB2 (laminin subunit beta 2; minus strand). Cytogenetic location: 3p21.31.
Variant type: single nucleotide variant.
Coding change: c.889G>A on transcript NM_002292.4 (MANE Select); coding-DNA position 889, G replaced by A.
Protein change: p.Gly297Arg; replaces glycine 297 with arginine.
Molecular consequence: missense variant.
Genome position (GRCh38, 1-based): chr3:49,130,976, C>T on the plus strand (G>A on the coding strand, the complement: LAMB2 is on the minus strand). VCF-style: chr3-49130976-C-T. GRCh37 (hg19) VCF-style: chr3-49168409-C-T.
Other names: short protein forms G297R.
Identifiers: ClinVar variation 1377368 (VCV001377368.6), dbSNP rs2107644171, ClinGen allele CA352746404.

ClinVar aggregate classification (germline): Uncertain significance (1 of 4 stars; one submission).

Conditions:
LAMB2-related infantile-onset nephrotic syndrome. Also called: Nephrotic Syndrome, type 5; NEPHROTIC SYNDROME, TYPE 5, WITHOUT OCULAR ABNORMALITIES; NEPHROTIC SYNDROME, TYPE 5, WITH OCULAR ABNORMALITIES. Identifiers: Orphanet 306507, MedGen C3280113, MONDO:0013621, OMIM 614199.
Pierson syndrome. Also called: MICROCORIA-CONGENITAL NEPHROTIC SYNDROME. Identifiers: Orphanet 2670, MedGen C1836876, MONDO:0012184, OMIM 609049.

Submission:

Labcorp Genetics (formerly Invitae), Labcorp
Classification: Uncertain significance for LAMB2-related infantile-onset nephrotic syndrome; Pierson syndrome. Last evaluated: 2021-08-24. Review status: criteria provided, single submitter. Criteria: Invitae Variant Classification Sherloc (09022015). Collection method: clinical testing. Allele origin: germline.
Comment: Algorithms developed to predict the effect of missense changes on protein structure and function (SIFT, PolyPhen-2, Align-GVGD) all suggest that this variant is likely to be disruptive. This variant has not been reported in the literature in individuals affected with LAMB2-related conditions. This variant is not present in population databases (ExAC no frequency). This sequence change replaces glycine with arginine at codon 297 of the LAMB2 protein (p.Gly297Arg). The glycine residue is highly conserved and there is a moderate physicochemical difference between glycine and arginine. In summary, the available evidence is currently insufficient to determine the role of this variant in disease. Therefore, it has been classified as a Variant of Uncertain Significance. Algorithms developed to predict the effect of sequence changes on RNA splicing suggest that this variant may create or strengthen a splice site.